The following is an entry in ClinVar:

ClinVar aggregate classification (germline): Uncertain significance. Review status: criteria provided, multiple submitters, no conflicts (2 of 4 stars). 2 submissions from 2 submitters: Uncertain significance (2). Last evaluated 2022-05-11.

Allele frequency attached by ClinVar (database versions not stated): gnomAD exomes below 0.00001; TOPMed below 0.00001.
gnomAD v4.1: 2 of 1,612,490 alleles (0.00012%); highest among the groups gnomAD compares: Admixed American, 0.0033%; no homozygotes.

Submissions (2):

Blueprint Genetics
Classification: Uncertain significance. Last evaluated: 2022-05-11. Review status: criteria provided, single submitter. Criteria: ACMG Guidelines, 2015. Collection method: clinical testing. Allele origin: germline.

Labcorp Genetics (formerly Invitae), Labcorp
Classification: Uncertain significance. Last evaluated: 2022-04-16. Review status: criteria provided, single submitter. Criteria: Invitae Variant Classification Sherloc (09022015). Collection method: clinical testing. Allele origin: germline.
Comment: This sequence change replaces valine, which is neutral and non-polar, with glutamic acid, which is acidic and polar, at codon 2129 of the ADGRV1 protein (p.Val2129Glu). This variant is present in population databases (no rsID available, gnomAD 0.003%). This variant has not been reported in the literature in individuals affected with ADGRV1-related conditions. Algorithms developed to predict the effect of missense changes on protein structure and function are either unavailable or do not agree on the potential impact of this missense change (SIFT: "Deleterious"; PolyPhen-2: "Probably Damaging"; Align-GVGD: "Class C0"). In summary, the available evidence is currently insufficient to determine the role of this variant in disease. Therefore, it has been classified as a Variant of Uncertain Significance.

NM_032119.4(ADGRV1):c.6386T>A (p.Val2129Glu)

Gene: ADGRV1 (adhesion G protein-coupled receptor V1; plus strand). Cytogenetic location: 5q14.3.
Variant type: single nucleotide variant.
Coding change: c.6386T>A on transcript NM_032119.4 (MANE Select); coding-DNA position 6386, T replaced by A.
Protein change: p.Val2129Glu; replaces valine 2129 with glutamic acid.
Molecular consequence: missense variant. On other transcripts: non-coding transcript variant (1).
Genome position (GRCh38, 1-based): chr5:90,685,891, T>A. VCF-style: chr5-90685891-T-A. GRCh37 (hg19) VCF-style: chr5-89981708-T-A.
Other names: short protein forms V2129E.
Identifiers: ClinVar variation 1496777 (VCV001496777.6), dbSNP rs1487646856, ClinGen allele CA360363531.
Genomic context (GRCh38, chr5:90,685,891, plus strand): 5'-TTATCATTGCCAATGATGATGCATTTGGAACTCTTCAGCTCTCAGCACCAATTGTCCGAG[T>A]GGCAGAAAATCATGTTGGACCCATTATCAATGTGACTAGAACAGGAGGAGCATTTGCAGA-3'
Protein context (NP_115495.3, residues 2119-2139): TLQLSAPIVR[Val2129Glu]AENHVGPIIN